The following is an entry in ClinVar:

ClinVar aggregate classification (germline): Uncertain significance (1 of 4 stars; one submission).

Submission:

Women's Health and Genetics/Laboratory Corporation of America, LabCorp
Classification: Uncertain significance. Last evaluated: 2025-03-26. Review status: criteria provided, single submitter. Criteria: LabCorp Variant Classification Summary - May 2015. Collection method: clinical testing. Allele origin: germline.
Comment: Variant summary: NDN c.238C>T (p.His80Tyr) results in a conservative amino acid change in the encoded protein sequence. Four of four in-silico tools predict a benign effect of the variant on protein function. The variant was absent in 102982 control chromosomes (gnomAD). The available data on variant occurrences in the general population are insufficient to allow any conclusion about variant significance. To our knowledge, no occurrence of c.238C>T in individuals affected with NDN-Related Disorders and no experimental evidence demonstrating its impact on protein function have been reported. No submitters have cited clinical-significance assessments for this variant to ClinVar. Based on the evidence outlined above, the variant was classified as uncertain significance.

NM_002487.3(NDN):c.238C>T (p.His80Tyr)

Gene: NDN (necdin, MAGE family member; minus strand). Cytogenetic location: 15q11.2.
Variant type: single nucleotide variant.
Coding change: c.238C>T on transcript NM_002487.3 (MANE Select); coding-DNA position 238, C replaced by T.
Protein change: p.His80Tyr; replaces histidine 80 with tyrosine.
Molecular consequence: missense variant.
Genome position (GRCh38, 1-based): chr15:23,686,980, G>A on the plus strand (C>T on the coding strand, the complement: NDN is on the minus strand). VCF-style: chr15-23686980-G-A. GRCh37 (hg19) VCF-style: chr15-23932127-G-A.
Other names: short protein forms H80Y.
Identifiers: ClinVar variation 3895935 (VCV003895935.1).